The following is an entry in ClinVar:

ClinVar aggregate classification (germline): Uncertain significance (1 of 4 stars; one submission).

Conditions:
Primary ciliary dyskinesia. Also called: Ciliary dyskinesia. Identifiers: Orphanet 244, MedGen C0008780, MONDO:0016575, HP:0012265.

Allele frequency attached by ClinVar (database versions not stated): ExAC 0.00002.

Submission:

Ambry Genetics
Classification: Uncertain significance for Primary ciliary dyskinesia. Last evaluated: 2024-10-27. Review status: criteria provided, single submitter. Criteria: Ambry Variant Classification Scheme 2023. Collection method: clinical testing. Allele origin: germline.
Comment: The p.K644N variant (also known as c.1932A>T), located in coding exon 2 of the DNAAF2 gene, results from an A to T substitution at nucleotide position 1932. The lysine at codon 644 is replaced by asparagine, an amino acid with similar properties. This amino acid position is conserved. In addition, this alteration is predicted to be tolerated by in silico analysis. Since supporting evidence is limited at this time, the clinical significance of this alteration remains unclear.

NM_018139.3(DNAAF2):c.1932A>T (p.Lys644Asn)

Gene: DNAAF2 (dynein axonemal assembly factor 2; minus strand). Cytogenetic location: 14q21.3.
Variant type: single nucleotide variant.
Coding change: c.1932A>T on transcript NM_018139.3 (MANE Select); coding-DNA position 1932, A replaced by T.
Protein change: p.Lys644Asn; replaces lysine 644 with asparagine.
Molecular consequence: missense variant. On other transcripts: intron variant (2).
Genome position (GRCh38, 1-based): chr14:49,628,087, T>A on the plus strand (A>T on the coding strand, the complement: DNAAF2 is on the minus strand). VCF-style: chr14-49628087-T-A. GRCh37 (hg19) VCF-style: chr14-50094805-T-A.
Other names: c.1864-2039A>T (NM_001083908.2); c.-204-2039A>T (NM_001378453.1); short protein forms K644N.
Identifiers: ClinVar variation 1782902 (VCV001782902.3), dbSNP rs748782316, ClinGen allele CA7172789.